The following continues an entry in ClinVar:

NM_003001.5(SDHC):c.377A>G (p.Tyr126Cys)

Gene: SDHC. ClinVar aggregate classification (germline): Pathogenic/Likely pathogenic. Pathogenic (1); Likely pathogenic (13).

Submissions 10 to 15 of 15:

All of Us Research Program, National Institutes of Health
Classification: Likely pathogenic for Hereditary pheochromocytoma and paraganglioma. Last evaluated: 2024-09-13. Review status: criteria provided, single submitter. Criteria: ACMG Guidelines, 2015. Collection method: clinical testing. Allele origin: germline. Inheritance: Autosomal dominant inheritance. Observed: 5 variant alleles, 5 heterozygotes.
Comment: This missense variant replaces tyrosine with cysteine at codon 126 of the SDHC protein. Computational prediction suggests that this variant may have deleterious impact on protein structure and function (internally defined REVEL score threshold >= 0.7, PMID: 27666373). To our knowledge, functional studies have not been reported for this variant. This variant has been reported in multiple individuals affected with paraganglioma (PMID: 19245779, 29305721, 32035780, 34558728). This variant has not been identified in the general population by the Genome Aggregation Database (gnomAD). Based on the available evidence, this variant is classified as Likely Pathogenic.

This study involves interpretation of variants in research participants for the purpose of population health screening. Participant phenotype was not available at the time of variant classification. Additional details can be found in publication PMID: 35346344, PMCID: PMC8962531

Baylor Genetics
Classification: Likely pathogenic for Gastrointestinal stromal tumor. Last evaluated: 2024-03-13. Review status: criteria provided, single submitter. Criteria: ACMG Guidelines, 2015. Collection method: clinical testing. Allele origin: unknown.

Department of Pathology and Laboratory Medicine, Sinai Health System
Classification: Likely pathogenic for Pheochromocytoma/paraganglioma syndrome 3; Gastrointestinal stromal tumor; Carney-Stratakis syndrome. Last evaluated: 2023-06-05. Review status: criteria provided, single submitter. Criteria: ACMG Guidelines, 2015. Collection method: clinical testing. Allele origin: germline. Affected: yes.

Institute of Human Genetics, University of Leipzig Medical Center
Classification: Likely pathogenic for Pheochromocytoma/paraganglioma syndrome 3. Last evaluated: 2022-08-04. Review status: criteria provided, single submitter. Criteria: ACMG Guidelines, 2015. Collection method: clinical testing. Allele origin: paternal. Inheritance: Autosomal dominant inheritance. Affected: yes.

Blueprint Genetics
Classification: Likely pathogenic for SDHC-related disorders. Last evaluated: 2019-12-10. Review status: criteria provided, single submitter. Criteria: ACMG Guidelines, 2015. Collection method: clinical testing. Allele origin: germline. Affected: yes. Observed: 2 variant alleles.

Section on Medical Neuroendocrinolgy, National Institutes of Health
Classification: Pathogenic for Hereditary pheochromocytoma and paraganglioma. Review status: no assertion criteria provided. Collection method: research. Allele origin: germline. Affected: yes. Not counted in ClinVar's aggregate classification.

Literature cited by the submitters: PubMed 15989954 (cited by Ambry Genetics); PubMed 32035780 (cited by 5 submitters); PubMed 34558728 (cited by 5 submitters); PubMed 19245779 (cited by Color Diagnostics, LLC DBA Color Health and All of Us Research Program, National Institutes of Health); PubMed 29305721 (cited by 3 submitters); PubMed 36672771 (cited by Women's Health and Genetics/Laboratory Corporation of America, LabCorp and Quest Diagnostics Nichols Institute San Juan Capistrano); PubMed 38473309 (cited by Quest Diagnostics Nichols Institute San Juan Capistrano).